The following is an entry in ClinVar:

ClinVar aggregate classification (germline): Pathogenic (1 of 4 stars; one submission).

Conditions:
DICER1-related tumor predisposition. Also called: DICER1-related pleuropulmonary blastoma cancer predisposition syndrome; DICER1 syndrome. Identifiers: Orphanet 284343, MedGen C3839822, MONDO:0100216.

Submission:

Labcorp Genetics (formerly Invitae), Labcorp
Classification: Pathogenic for DICER1-related tumor predisposition. Last evaluated: 2024-08-22. Review status: criteria provided, single submitter. Criteria: Invitae Variant Classification Sherloc (09022015). Collection method: clinical testing. Allele origin: germline.
Comment: This sequence change creates a premature translational stop signal (p.Ser1304*) in the DICER1 gene. It is expected to result in an absent or disrupted protein product. Loss-of-function variants in DICER1 are known to be pathogenic (PMID: 19556464, 21266384). This variant is not present in population databases (gnomAD no frequency). This variant has not been reported in the literature in individuals affected with DICER1-related conditions. ClinVar contains an entry for this variant (Variation ID: 2037520). For these reasons, this variant has been classified as Pathogenic.

Literature cited by the submitters: PubMed 19556464; PubMed 21266384.

NM_177438.3(DICER1):c.3911C>G (p.Ser1304Ter)

Gene: DICER1 (dicer 1, ribonuclease III; minus strand). Cytogenetic location: 14q32.13.
Variant type: single nucleotide variant.
Coding change: c.3911C>G on transcript NM_177438.3 (MANE Select); coding-DNA position 3911, C replaced by G.
Protein change: p.Ser1304Ter; replaces serine 1304 with a stop codon.
Molecular consequence: nonsense. On other transcripts: non-coding transcript variant (6).
Genome position (GRCh38, 1-based): chr14:95,103,485, G>C on the plus strand (C>G on the coding strand, the complement: DICER1 is on the minus strand). VCF-style: chr14-95103485-G-C. GRCh37 (hg19) VCF-style: chr14-95569822-G-C.
Other names: c.3911C>G, p.Ser1304Ter (NM_001195573.1, NM_001271282.3, NM_001291628.2 and 13 more transcripts); c.3629C>G, p.Ser1210Ter (NM_001395686.1); c.3506C>G, p.Ser1169Ter (NM_001395687.1, NM_001395688.1, NM_001395689.1 and 2 more transcripts); c.3344C>G, p.Ser1115Ter (NM_001395691.1); c.2228C>G, p.Ser743Ter (NM_001395697.1); short protein forms S1115*, S1304*, S1169*, S743*, S1210*.
Identifiers: ClinVar variation 2037520 (VCV002037520.4), dbSNP rs2542689542, ClinGen allele CA390873190.